The following is an entry in ClinVar:

ClinVar aggregate classification (germline): Uncertain significance (1 of 4 stars; one submission).

Submission:

GeneDx
Classification: Uncertain significance. Last evaluated: 2025-06-16. Review status: criteria provided, single submitter. Criteria: GeneDx Variant Classification Process June 2021. Collection method: clinical testing. Allele origin: germline. Affected: yes.
Comment: Not observed at significant frequency in large population cohorts (gnomAD); In silico analysis supports that this missense variant has a deleterious effect on protein structure/function; Has not been previously published as pathogenic or benign to our knowledge

NM_178335.3(CCDC50):c.275A>C (p.Gln92Pro)

Gene: CCDC50 (coiled-coil domain containing 50; plus strand). Cytogenetic location: 3q28.
Variant type: single nucleotide variant.
Coding change: c.275A>C on transcript NM_178335.3 (MANE Select); coding-DNA position 275, A replaced by C.
Protein change: p.Gln92Pro; replaces glutamine 92 with proline.
Molecular consequence: missense variant.
Genome position (GRCh38, 1-based): chr3:191,361,104, A>C. VCF-style: chr3-191361104-A-C. GRCh37 (hg19) VCF-style: chr3-191078893-A-C.
Other names: c.275A>C, p.Gln92Pro (NM_174908.4); short protein forms Q92P.
Identifiers: ClinVar variation 4538631 (VCV004538631.1).
Genomic context (GRCh38, chr3:191,361,104, plus strand): 5'-TCATGTTTTCACCTTTGCTTTTTAGTGAACAACAAGACTGTGAAATTGCTCAGGAAATTC[A>C]GGAGAAGCTGGCTATTGAGGCAGAGAGACGACGCATTCAGGAGAAGAAGGATGAGGTATA-3'
Protein context (NP_848018.1, residues 82-102): QQDCEIAQEI[Gln92Pro]EKLAIEAERR